The following continues an entry in ClinVar:

NM_000492.4(CFTR):c.1052C>G (p.Thr351Ser)

Gene: CFTR. ClinVar aggregate classification (germline): Conflicting classifications of pathogenicity. Uncertain significance (14); Likely benign (2).

Submissions 6 to 17 of 17:

Labcorp Genetics (formerly Invitae), Labcorp
Classification: Uncertain significance for Cystic fibrosis. Last evaluated: 2025-01-12. Review status: criteria provided, single submitter. Criteria: Invitae Variant Classification Sherloc (09022015). Collection method: clinical testing. Allele origin: germline.
Comment: This sequence change replaces threonine, which is neutral and polar, with serine, which is neutral and polar, at codon 351 of the CFTR protein (p.Thr351Ser). This variant is present in population databases (rs1800086, gnomAD 0.07%). This missense change has been observed in individual(s) with pancreatitis, congenital absence of the vas deferens (CAVD), and mild or atypical cysitic fibrosis (PMID: 2395135, 9272157, 15858154, 16128988, 23670503). ClinVar contains an entry for this variant (Variation ID: 53174). Invitae Evidence Modeling of protein sequence and biophysical properties (such as structural, functional, and spatial information, amino acid conservation, physicochemical variation, residue mobility, and thermodynamic stability) indicates that this missense variant is expected to disrupt CFTR protein function with a positive predictive value of 95%. In summary, the available evidence is currently insufficient to determine the role of this variant in disease. Therefore, it has been classified as a Variant of Uncertain Significance.

Mayo Clinic Laboratories, Mayo Clinic
Classification: Uncertain significance. Last evaluated: 2024-12-10. Review status: criteria provided, single submitter. Criteria: ACMG Guidelines, 2015. Collection method: clinical testing. Allele origin: germline. Observed: 4 variant alleles.
Comment: PP3, PM2_moderate

Johns Hopkins Genomics, Johns Hopkins University
Classification: Likely benign for Cystic fibrosis. Last evaluated: 2024-10-15. Review status: criteria provided, single submitter. Criteria: ACMG Guidelines, 2015. Collection method: clinical testing. Allele origin: germline.
Comment: This variant is classified as likely benign (PM2, PP4, BS4, BP6).

Illumina Laboratory Services, Illumina
Classification: Uncertain significance for CFTR-related disorder. Last evaluated: 2024-02-10. Review status: criteria provided, single submitter. Criteria: ISL SNV Classification Criteria 03 February 2026. Collection method: clinical testing. Allele origin: unknown.
Comment: The CFTR c.1052C>G p.(Thr351Ser) missense variant has been identified in individuals with a phenotype consistent with CFTR-related disorders (PMID: 15858154; 29589582; 32819855; 23670503). This variant is located in a known hotspot. The highest frequency of this allele in the Genome Aggregation Database is 0.002309 in the Middle Eastern population (version 4.0.0), which is higher than expected for a pathogenic variant in this gene. In addition, there are two homozygotes present in the database (gnomAD v 4.0.0). Multiple lines of computational evidence suggest the variant may impact the gene or gene product. However, a functional study conducted in a human lung epithelial cell line demonstrated that this variant does not impact splicing, mRNA expression levels, protein folding, chloride secretion or chloride channel function (PMID: 36567205). Based on the available evidence, the c.1052C>G p.(Thr351Ser) variant is classified as a variant of uncertain significance for CFTR-related disorders.

Ambry Genetics
Classification: Likely benign for Cystic fibrosis. Last evaluated: 2022-12-07. Review status: criteria provided, single submitter. Criteria: Ambry Variant Classification Scheme 2023. Collection method: clinical testing. Allele origin: germline.

Programa de Pós-Graduação em Genética e Biologia Molecular, Universidade Federal do Rio Grande do Sul
Classification: Uncertain significance for Cystic fibrosis. Last evaluated: 2021-10-11. Review status: criteria provided, single submitter. Criteria: ACMG Guidelines, 2015. Collection method: research. Allele origin: inherited, not applicable. Inheritance: Autosomal recessive inheritance. Affected: no. Observed: 1 compound heterozygote. Functional consequence: Normal function.
Comment: This imprecision led to the belief that this variant is pathogenic. Despite this variant has been classified and reclassified over the course of time as pathogenic and lately as likely pathogenic (by Mendelics and Invitae), new functional evidence has shown that this variant does not alter CFTR function even when located in the same allele (in cis) as NM_000492.4(CFTR):2552G>T; p.Arg851Leu) and in trans with the most common pathogenic variant p.Phe508del (NM_000492.4(CFTR):1521_1523delCTT). Although in a pathogenic range due to its very low frequency in public databases (1000 Genomes, GnomAd Exons, GnomAd Genomes, etc., in people from different ethnicities), the aminoacid change promoted by this missense variant is practically synonymous for both amino acids residues are polar uncharged (at physiological pH), conserving the hydroxyl group in the side chain of this amino acid, basically having absent to little impact in the CFTR protein. Also, there is another missense variant in the same nucleotide position which has been classified as having uncertain significance (NM_000492.4(CFTR):c.1052C>T; p.Thr351Ile). Besides, prediction tools do not fully agree when predicting the deleteriousness of this variant. Therefore, the controversial data existing to date regarding this variant leads to the classification of uncertain significance. Sweat chloride tests have always been within borderline range (30-59 mM). Fecal elastase-1 levels in feces samples are within the normal range of the assay, which is a biomarker of pancreatic exocrine sufficiency.

Department of Pathology and Laboratory Medicine, Sinai Health System
Classification: Uncertain significance for cystic fibrosis. Last evaluated: 2021-07-30. Review status: criteria provided, single submitter. Criteria: ACMG Guidelines, 2015. Collection method: research. Allele origin: germline.

Genome-Nilou Lab
Classification: Uncertain significance for Cystic fibrosis. Last evaluated: 2021-07-22. Review status: criteria provided, single submitter. Criteria: ACMG Guidelines, 2015. Collection method: clinical testing. Allele origin: germline. Affected: no.

Genome Diagnostics Laboratory, The Hospital for Sick Children
Classification: Uncertain significance for Cystic fibrosis. Last evaluated: 2020-05-22. Review status: criteria provided, single submitter. Criteria: ACMG Guidelines, 2015. Collection method: clinical testing. Allele origin: germline. Affected: yes.
Comment: This missense variant results in a change of threonine to serine at position 351, and in silico programs predict this variant to be damaging. This variant has been previously reported in individuals with pancreatitis, congenital absence of the vas deferens (CAVD), and mild or atypical cysitic fibrosis (PMID:9272157, PMID:15858154, PMID:19812525, PMID:23670503). This variant was also observed in trans with a pathogenic variant in one patient with CBAVD (PMID: 9272157). Algorithms developed to predict the effect of sequence variants on splicing suggest that this variant may affect splicing. However, the effect of this variant on splicing is unknown since no RNA functional studies have been performed. This variant is observed at an allele frequency of 0.018% in populations of the Genome Aggregation Database (gnomAD). Based on the evidence, this variant is classified as a variant of uncertain significance (VUS) in the context of classical cystic fibrosis and as pathogenic in the context of CFTR-related disorders. (ACMG criteria - PM3, PM2, PP3)

Mendelics
Classification: Uncertain significance for Cystic fibrosis. Last evaluated: 2018-11-05. Review status: criteria provided, single submitter. Criteria: Mendelics Assertion Criteria 2017. Collection method: clinical testing. Allele origin: unknown. Affected: yes.

Eurofins Ntd Llc (ga)
Classification: Uncertain significance. Last evaluated: 2018-02-22. Review status: criteria provided, single submitter. Criteria: EGL ClinVar v180209 classification definitions. Collection method: clinical testing. Allele origin: germline. Observed: 5 variant alleles, 5 heterozygotes.

Genome Diagnostics Laboratory, The Hospital for Sick Children
Classification: Likely pathogenic for CFTR-related disorders. Last evaluated: 2020-05-28. Review status: flagged submission. Collection method: clinical testing. Allele origin: germline. Not counted in ClinVar's aggregate classification.
ClinVar note: Reason: Outlier claim with insufficient supporting evidence

Literature cited by the submitters: PubMed 9272157 (cited by 5 submitters); PubMed 18716917 (cited by Women's Health and Genetics/Laboratory Corporation of America, LabCorp and Quest Diagnostics Nichols Institute San Juan Capistrano); PubMed 19812525 (cited by 3 submitters); PubMed 8477260 (cited by 4 submitters); PubMed 16128988 (cited by 5 submitters); PubMed 15858154 (cited by 5 submitters); PubMed 20059485 (cited by Women's Health and Genetics/Laboratory Corporation of America, LabCorp and Quest Diagnostics Nichols Institute San Juan Capistrano); PubMed 23687349 (cited by 4 submitters); PubMed 23670503 (cited by 7 submitters); PubMed 23951356 (cited by 3 submitters); PubMed 25735457 (cited by Women's Health and Genetics/Laboratory Corporation of America, LabCorp); PubMed 20167849 (cited by 3 submitters); PubMed 29589582 (cited by 3 submitters); PubMed 32819855 (cited by 4 submitters); PubMed 32185651 (cited by Women's Health and Genetics/Laboratory Corporation of America, LabCorp); PubMed 33572515 (cited by Women's Health and Genetics/Laboratory Corporation of America, LabCorp and Quest Diagnostics Nichols Institute San Juan Capistrano); PubMed 36567205 (cited by 4 submitters); PubMed 38388235 (cited by 3 submitters); PubMed 38657903 (cited by Women's Health and Genetics/Laboratory Corporation of America, LabCorp and Quest Diagnostics Nichols Institute San Juan Capistrano); PubMed 32773111 (cited by Quest Diagnostics Nichols Institute San Juan Capistrano); PubMed 29669919 (cited by Quest Diagnostics Nichols Institute San Juan Capistrano); PubMed 34996830 (cited by Quest Diagnostics Nichols Institute San Juan Capistrano); PubMed 2395135 (cited by Labcorp Genetics (formerly Invitae), Labcorp); PubMed 28340353 (cited by Ambry Genetics); PubMed 30459277 (cited by Ambry Genetics); PubMed 26708955 (cited by Eurofins Ntd Llc (ga)).